The following is an entry in ClinVar:

NM_006662.3(SRCAP):c.6663C>T (p.Ser2221=)

Gene: SRCAP (Snf2 related CREBBP activator protein; plus strand). Cytogenetic location: 16p11.2.
Variant type: single nucleotide variant.
Coding change: c.6663C>T on transcript NM_006662.3 (MANE Select); coding-DNA position 6663, C replaced by T.
Protein change: p.Ser2221=; no amino-acid change (serine 2221 retained).
Molecular consequence: synonymous variant.
Genome position (GRCh38, 1-based): chr16:30,734,549, C>T. VCF-style: chr16-30734549-C-T. GRCh37 (hg19) VCF-style: chr16-30745870-C-T.
Identifiers: ClinVar variation 1569251 (VCV001569251.10), dbSNP rs755312139, ClinGen allele CA8012300.

ClinVar aggregate classification (germline): Likely benign. Review status: criteria provided, multiple submitters, no conflicts (2 of 4 stars). 2 submissions from 2 submitters: Likely benign (2). Last evaluated 2025-06-20.

Allele frequency attached by ClinVar (database versions not stated): ExAC 0.00001.
gnomAD v4.1: 52 of 1,613,828 alleles (0.0032%); highest among the groups gnomAD compares: African/African-American, 0.004%; no homozygotes.

Submissions (2):

Labcorp Genetics (formerly Invitae), Labcorp
Classification: Likely benign. Last evaluated: 2025-06-20. Review status: criteria provided, single submitter. Criteria: Invitae Variant Classification Sherloc (09022015). Collection method: clinical testing. Allele origin: germline.

Women's Health and Genetics/Laboratory Corporation of America, LabCorp
Classification: Likely benign. Last evaluated: 2024-05-10. Review status: criteria provided, single submitter. Criteria: LabCorp Variant Classification Summary - May 2015. Collection method: clinical testing. Allele origin: germline.
Comment: Variant summary: SRCAP c.6663C>T alters a non-conserved nucleotide resulting in a synonymous change. Consensus agreement among computation tools predict no significant impact on normal splicing. However, these predictions have yet to be confirmed by functional studies. The variant allele was found at a frequency of 8e-06 in 251486 control chromosomes. The available data on variant occurrences in the general population are insufficient to allow any conclusion about variant significance. To our knowledge, no occurrence of c.6663C>T in individuals affected with Floating-Harbor Syndrome and no experimental evidence demonstrating its impact on protein function have been reported. ClinVar contains an entry for this variant (Variation ID: 1569251). Based on the evidence outlined above, the variant was classified as likely benign.